The following is an entry in ClinVar:

ClinVar aggregate classification (germline): Uncertain significance. Review status: criteria provided, multiple submitters, no conflicts (2 of 4 stars). 5 submissions from 5 submitters: Uncertain significance (4). 1 of the submissions does not count toward it. Last evaluated 2024-09-18.

Conditions:
Inborn genetic diseases. Identifiers: MedGen C0950123, MeSH D030342.
Autosomal recessive retinitis pigmentosa. Identifiers: MedGen C0339526.
Retinitis pigmentosa 25 (RP25). Identifiers: Orphanet 791, MedGen C1864446, MONDO:0011272, OMIM 602772.

Allele frequency attached by ClinVar (database versions not stated): TOPMed 0.00002; ExAC 0.00003; gnomAD 0.00003 and 0.00004.
gnomAD v4.1: 25 of 1,606,274 alleles (0.0016%); highest among the groups gnomAD compares: Admixed American, 0.012%; no homozygotes.

Submissions (5):

Blueprint Genetics
Classification: Uncertain significance. Last evaluated: 2024-09-18. Review status: criteria provided, single submitter. Criteria: ACMG Guidelines, 2015. Collection method: clinical testing. Allele origin: germline.

Ambry Genetics
Classification: Uncertain significance for Inborn genetic diseases. Last evaluated: 2024-07-10. Review status: criteria provided, single submitter. Criteria: Ambry Variant Classification Scheme 2023. Collection method: clinical testing. Allele origin: germline.

Labcorp Genetics (formerly Invitae), Labcorp
Classification: Uncertain significance. Last evaluated: 2022-08-08. Review status: criteria provided, single submitter. Criteria: Invitae Variant Classification Sherloc (09022015). Collection method: clinical testing. Allele origin: germline.
Comment: This sequence change replaces serine, which is neutral and polar, with alanine, which is neutral and non-polar, at codon 488 of the EYS protein (p.Ser488Ala). This variant is present in population databases (rs754245105, gnomAD 0.02%). This variant has not been reported in the literature in individuals affected with EYS-related conditions. ClinVar contains an entry for this variant (Variation ID: 990492). Algorithms developed to predict the effect of missense changes on protein structure and function (SIFT, PolyPhen-2, Align-GVGD) all suggest that this variant is likely to be tolerated. In summary, the available evidence is currently insufficient to determine the role of this variant in disease. Therefore, it has been classified as a Variant of Uncertain Significance.

Fulgent Genetics
Classification: Uncertain significance for Retinitis pigmentosa 25. Last evaluated: 2022-04-18. Review status: criteria provided, single submitter. Criteria: ACMG Guidelines, 2015. Collection method: clinical testing. Allele origin: unknown.

Natera, Inc.
Classification: Uncertain significance for Autosomal recessive retinitis pigmentosa. Last evaluated: 2020-09-01. Review status: no assertion criteria provided. Collection method: clinical testing. Allele origin: germline. Not counted in ClinVar's aggregate classification.

NM_001142800.2(EYS):c.1462T>G (p.Ser488Ala)

Gene: EYS (EGF-like photoreceptor maintenance factor; minus strand). Cytogenetic location: 6q12.
Variant type: single nucleotide variant.
Coding change: c.1462T>G on transcript NM_001142800.2 (MANE Select); coding-DNA position 1462, T replaced by G.
Protein change: p.Ser488Ala; replaces serine 488 with alanine.
Molecular consequence: missense variant.
Genome position (GRCh38, 1-based): chr6:65,344,175, A>C on the plus strand (T>G on the coding strand, the complement: EYS is on the minus strand). VCF-style: chr6-65344175-A-C. GRCh37 (hg19) VCF-style: chr6-66054068-A-C.
Other names: c.1462T>G (NM_001142800.1); c.1462T>G, p.Ser488Ala (NM_001142801.2, NM_001292009.2, NM_198283.2); short protein forms S488A.
Identifiers: ClinVar variation 990492 (VCV000990492.6), dbSNP rs754245105, ClinGen allele CA3877727.
Genomic context (GRCh38, chr6:65,344,175, plus strand): 5'-TGCAGTTTGCAGCCAGAAAGAAATAGGCATCAATAACCCCTTGGCACTTTTCGCCTTCAG[A>C]TCCTTTAAAAAAAAAGAGATAAAAAATTAAATAAACTCTTACAAACTTGAATTCAGAATG-3'
Protein context (NP_001136272.1, residues 478-498): EYVWQLGFAG[Ser488Ala]EGEKCQGVID